The following is an entry in ClinVar:

ClinVar aggregate classification (germline): Uncertain significance (1 of 4 stars; one submission).

gnomAD v4.1: 1 of 1,614,178 alleles (0.000062%); highest among the groups gnomAD compares: Non-Finnish European, 0.000085%; no homozygotes.

Submission:

Labcorp Genetics (formerly Invitae), Labcorp
Classification: Uncertain significance. Last evaluated: 2026-02-01. Review status: criteria provided, single submitter. Criteria: Invitae Variant Classification Sherloc (09022015). Collection method: clinical testing. Allele origin: germline.
Comment: This sequence change replaces valine, which is neutral and non-polar, with isoleucine, which is neutral and non-polar, at codon 959 of the ALPK1 protein (p.Val959Ile). This variant is present in population databases (no rsID available, gnomAD 0.0009%). This variant has not been reported in the literature in individuals affected with ALPK1-related conditions. Invitae Evidence Modeling of protein sequence and biophysical properties (such as structural, functional, and spatial information, amino acid conservation, physicochemical variation, residue mobility, and thermodynamic stability) indicates that this missense variant is not expected to disrupt ALPK1 protein function with a negative predictive value of 80%. In summary, the available evidence is currently insufficient to determine the role of this variant in disease. Therefore, it has been classified as a Variant of Uncertain Significance.

NM_025144.4(ALPK1):c.2875G>A (p.Val959Ile)

Gene: ALPK1 (alpha kinase 1; plus strand). Cytogenetic location: 4q25.
Variant type: single nucleotide variant.
Coding change: c.2875G>A on transcript NM_025144.4 (MANE Select); coding-DNA position 2875, G replaced by A.
Protein change: p.Val959Ile; replaces valine 959 with isoleucine.
Molecular consequence: missense variant.
Genome position (GRCh38, 1-based): chr4:112,432,422, G>A. VCF-style: chr4-112432422-G-A. GRCh37 (hg19) VCF-style: chr4-113353578-G-A.
Other names: c.2875G>A, p.Val959Ile (NM_001102406.2); c.2641G>A, p.Val881Ile (NM_001253884.2); short protein forms V959I, V881I.
Identifiers: ClinVar variation 4766344 (VCV004766344.1).
Genomic context (GRCh38, chr4:112,432,422, plus strand): 5'-AGTGGTTCTTCTGAGGGGGACAGCCCTTGGTCCTATCTGAATTCCAGTGGGAGTTCTTGG[G>A]TTTCATTGCCGGGAAAGATGAGGAAAGAGATCCTTGAGGCTCGCACCTTGCAACCTGATG-3'
Protein context (NP_079420.3, residues 949-969): SYLNSSGSSW[Val959Ile]SLPGKMRKEI